The following is an entry in ClinVar:

ClinVar aggregate classification (germline): Likely pathogenic. Review status: criteria provided, single submitter (1 of 4 stars). 2 submissions from 2 submitters: Likely pathogenic (1). 1 of the submissions does not count toward it. Last evaluated 2020-12-08.

Conditions:
Pyruvate dehydrogenase E1-alpha deficiency (PDHAD). Also called: ATAXIA, INTERMITTENT, WITH PYRUVATE DEHYDROGENASE DEFICIENCY; ATAXIA WITH LACTIC ACIDOSIS I; ATAXIA, INTERMITTENT, WITH ABNORMAL PYRUVATE METABOLISM; Ataxia, intermittent, with pyruvate dehydrogenase, or decarboxylase, deficiency. Identifiers: Orphanet 79243, MedGen C1839413, MONDO:0010717, OMIM 312170.

Submissions (2):

Institute of Human Genetics, University of Leipzig Medical Center
Classification: Likely pathogenic for Pyruvate dehydrogenase E1-alpha deficiency. Last evaluated: 2020-12-08. Review status: criteria provided, single submitter. Criteria: ACMG Guidelines, 2015. Collection method: clinical testing. Allele origin: unknown. Affected: yes.

PDHA1 Study Group, University Children’s Hospital, Paracelsus Medical University
Classification: Likely pathogenic for Pyruvate dehydrogenase E1-alpha deficiency. Last evaluated: 2024-10-15. Review status: no assertion criteria provided. Collection method: research. Allele origin: de novo. Affected: yes. Observed: 3 variant alleles. Not counted in ClinVar's aggregate classification.
Comment: The NM_000284.3:c.679T>C (p.Tyr227His) substitution is a missense variant in PDHA1 gene. In total, 3 individuals were diagnosed with PDHA1-related Pyruvate dehydrogenase complex (PDHc) deficiency (MIM #312170). These include 3 males. Among them, 3 cases had confirmed de novo occurrence. The variant has been reported in 2 published cases (PMIDs: 20462777, 26944031). Last literature search: July 12, 2024. This variant is absent or extremely rare in population-based cohorts in the Genome Aggregation Database (gnomAD). Individuals harboring this variant presented with clinical features compatible with PDHA1-related PDHc deficiency. In summary, this variant meets criteria to be classified as likely pathogenic (LP) for PDHA1-related PDHc deficiency based on the ACMG/AMP criteria applied: PS2, PM1, PM2, PP3 (last assessment October 15, 2024).

Literature cited by the submitters: PubMed 20462777 (cited by PDHA1 Study Group, University Children’s Hospital, Paracelsus Medical University); PubMed 26944031 (cited by PDHA1 Study Group, University Children’s Hospital, Paracelsus Medical University); DOI 10.1093/brain/awaf430 (cited by PDHA1 Study Group, University Children’s Hospital, Paracelsus Medical University).

NM_000284.4(PDHA1):c.679T>C (p.Tyr227His)

Gene: PDHA1 (pyruvate dehydrogenase E1 subunit alpha 1; plus strand). Cytogenetic location: Xp22.12.
Variant type: single nucleotide variant.
Coding change: c.679T>C on transcript NM_000284.4 (MANE Select); coding-DNA position 679, T replaced by C.
Protein change: p.Tyr227His; replaces tyrosine 227 with histidine.
Molecular consequence: missense variant.
Genome position (GRCh38, 1-based): chrX:19,355,424, T>C. VCF-style: chrX-19355424-T-C. GRCh37 (hg19) VCF-style: chrX-19373542-T-C.
Other names: c.793T>C, p.Tyr265His (NM_001173454.2); c.700T>C, p.Tyr234His (NM_001173455.2); c.586T>C, p.Tyr196His (NM_001173456.2); c.679T>C (NM_000284.3); short protein forms Y196H, Y227H, Y234H, Y265H.
Identifiers: ClinVar variation 1285483 (VCV001285483.2), dbSNP rs2147180839, ClinGen allele CA412394521.